The following is an entry in ClinVar:

NM_000170.3(GLDC):c.329C>A (p.Pro110His)

Gene: GLDC (glycine decarboxylase; minus strand). Cytogenetic location: 9p24.1.
Variant type: single nucleotide variant.
Coding change: c.329C>A on transcript NM_000170.3 (MANE Select); coding-DNA position 329, C replaced by A.
Protein change: p.Pro110His; replaces proline 110 with histidine.
Molecular consequence: missense variant.
Genome position (GRCh38, 1-based): chr9:6,644,619, G>T on the plus strand (C>A on the coding strand, the complement: GLDC is on the minus strand). VCF-style: chr9-6644619-G-T. GRCh37 (hg19) VCF-style: chr9-6644619-G-T.
Other names: short protein forms P110H.
Identifiers: ClinVar variation 575297 (VCV000575297.15), dbSNP rs371491621, ClinGen allele CA4981207.

ClinVar aggregate classification (germline): Conflicting classifications of pathogenicity. Review status: criteria provided, conflicting classifications (1 of 4 stars). 3 submissions from 3 submitters: Uncertain significance (2); Likely benign (1). Last evaluated 2026-04-27.

Conditions:
Glycine encephalopathy. Also called: Non-ketotic hyperglycinemia; Nonketotic hyperglycinemia. Identifiers: Orphanet 407, MedGen C0751748, MONDO:0011612, HP:0008288.
Inborn genetic diseases. Identifiers: MedGen C0950123, MeSH D030342.

Allele frequency attached by ClinVar (database versions not stated): gnomAD exomes 0.00004; ExAC 0.00005; ESP Exome Variant Server 0.00008; 1000 Genomes Project 30x 0.00016; 1000 Genomes Project 0.00020; TOPMed 0.00026; gnomAD 0.00029.
gnomAD v4.1: 66 of 1,608,270 alleles (0.0041%); highest among the groups gnomAD compares: African/African-American, 0.077%; no homozygotes.

Submissions (3):

Ambry Genetics
Classification: Uncertain significance for Inborn genetic diseases. Last evaluated: 2026-04-27. Review status: criteria provided, single submitter. Criteria: Ambry Variant Classification Scheme 2023. Collection method: clinical testing. Allele origin: germline.
Comment: The c.329C>A (p.P110H) alteration is located in exon 2 (coding exon 2) of the GLDC gene. This alteration results from a C to A substitution at nucleotide position 329, causing the proline (P) at amino acid position 110 to be replaced by a histidine (H). Based on data from gnomAD, the A allele has an overall frequency of 0.006% (18/282754) total alleles studied. The highest observed frequency was 0.068% (17/24962) of African alleles. Based on insufficient or conflicting evidence, the clinical significance of this alteration remains unclear.

Labcorp Genetics (formerly Invitae), Labcorp
Classification: Likely benign for Glycine encephalopathy. Last evaluated: 2025-12-29. Review status: criteria provided, single submitter. Criteria: Invitae Variant Classification Sherloc (09022015). Collection method: clinical testing. Allele origin: germline.

GeneDx
Classification: Uncertain significance. Last evaluated: 2024-10-16. Review status: criteria provided, single submitter. Criteria: GeneDx Variant Classification Process June 2021. Collection method: clinical testing. Allele origin: germline. Affected: yes.
Comment: In silico analysis supports that this missense variant has a deleterious effect on protein structure/function; Has not been previously published as pathogenic or benign to our knowledge